The following is an entry in ClinVar:

NM_017780.4(CHD7):c.6596G>A (p.Ser2199Asn)

Gene: CHD7 (chromodomain helicase DNA binding protein 7; plus strand). Cytogenetic location: 8q12.2.
Variant type: single nucleotide variant.
Coding change: c.6596G>A on transcript NM_017780.4 (MANE Select); coding-DNA position 6596, G replaced by A.
Protein change: p.Ser2199Asn; replaces serine 2199 with asparagine.
Molecular consequence: missense variant. On other transcripts: intron variant (1).
Genome position (GRCh38, 1-based): chr8:60,853,321, G>A. VCF-style: chr8-60853321-G-A. GRCh37 (hg19) VCF-style: chr8-61765880-G-A.
Other names: c.6596G>A (LRG_176t1); c.1717-8908G>A (NM_001316690.1); short protein forms S2199N.
Identifiers: ClinVar variation 421019 (VCV000421019.6), dbSNP rs1064794854, ClinGen allele CA16618678.

ClinVar aggregate classification (germline): Conflicting classifications of pathogenicity. Review status: criteria provided, conflicting classifications (1 of 4 stars). 2 submissions from 2 submitters: Uncertain significance (1); Benign (1). Last evaluated 2025-09-02.

Conditions:
CHARGE syndrome (CHARGE). Also called: Hittner Hirsch Kreh syndrome; CHARGE ASSOCIATION--COLOBOMA, HEART ANOMALY, CHOANAL ATRESIA, RETARDATION, GENITAL AND EAR ANOMALIES; Coloboma, heart anomaly, choanal atresia, retardation, genital and ear anomalies; CHARGE association; Hall-Hittner syndrome. Identifiers: Orphanet 138, MedGen C0265354, MONDO:0008965.

Allele frequency attached by ClinVar (database versions not stated): gnomAD exomes below 0.00001; TOPMed below 0.00001; gnomAD 0.00001.
gnomAD v4.1: 4 of 1,600,458 alleles (0.00025%); highest among the groups gnomAD compares: East Asian, 0.009%; no homozygotes.

Submissions (2):

GeneDx
Classification: Uncertain significance. Last evaluated: 2025-09-02. Review status: criteria provided, single submitter. Criteria: GeneDx Variant Classification Process June 2021. Collection method: clinical testing. Allele origin: germline. Affected: yes.
Comment: Not observed at significant frequency in large population cohorts (gnomAD); In silico analysis suggests that this missense variant does not alter protein structure/function; Has not been previously published as pathogenic or benign to our knowledge

Labcorp Genetics (formerly Invitae), Labcorp
Classification: Benign for CHARGE syndrome. Last evaluated: 2024-09-15. Review status: criteria provided, single submitter. Criteria: Invitae Variant Classification Sherloc (09022015). Collection method: clinical testing. Allele origin: germline.